The following is an entry in ClinVar:

NM_004700.4(KCNQ4):c.313A>G (p.Ile105Val)

Gene: KCNQ4 (potassium voltage-gated channel subfamily Q member 4; plus strand). Cytogenetic location: 1p34.2.
Variant type: single nucleotide variant.
Coding change: c.313A>G on transcript NM_004700.4 (MANE Select); coding-DNA position 313, A replaced by G.
Protein change: p.Ile105Val; replaces isoleucine 105 with valine.
Molecular consequence: missense variant.
Genome position (GRCh38, 1-based): chr1:40,784,406, A>G. VCF-style: chr1-40784406-A-G. GRCh37 (hg19) VCF-style: chr1-41250078-A-G.
Other names: c.313A>G, p.Ile105Val (NM_172163.3); short protein forms I105V.
Identifiers: ClinVar variation 4694993 (VCV004694993.1).

ClinVar aggregate classification (germline): Uncertain significance (1 of 4 stars; one submission).

gnomAD v4.1: 39 of 1,607,612 alleles (0.0024%); highest among the groups gnomAD compares: Non-Finnish European, 0.0031%; no homozygotes.

Submission:

Labcorp Genetics (formerly Invitae), Labcorp
Classification: Uncertain significance. Last evaluated: 2025-11-25. Review status: criteria provided, single submitter. Criteria: Invitae Variant Classification Sherloc (09022015). Collection method: clinical testing. Allele origin: germline.
Comment: This sequence change replaces isoleucine, which is neutral and non-polar, with valine, which is neutral and non-polar, at codon 105 of the KCNQ4 protein (p.Ile105Val). This variant is present in population databases (rs201467006, gnomAD 0.01%). This variant has not been reported in the literature in individuals affected with KCNQ4-related conditions. Invitae Evidence Modeling of protein sequence and biophysical properties (such as structural, functional, and spatial information, amino acid conservation, physicochemical variation, residue mobility, and thermodynamic stability) indicates that this missense variant is not expected to disrupt KCNQ4 protein function with a negative predictive value of 95%. In summary, the available evidence is currently insufficient to determine the role of this variant in disease. Therefore, it has been classified as a Variant of Uncertain Significance.